The following is an entry in ClinVar:

ClinVar aggregate classification (germline): Uncertain significance. Review status: criteria provided, multiple submitters, no conflicts (2 of 4 stars). 2 submissions from 2 submitters: Uncertain significance (2). Last evaluated 2025-07-21.

Conditions:
T-cell immunodeficiency, congenital alopecia, and nail dystrophy. Also called: Congenital alopecia and nail dystrophy associated with severe functional T-cell immunodeficiency; Pignata Guarino syndrome. Identifiers: Orphanet 169095, MedGen C1866426, MONDO:0011132, OMIM 601705.
T-cell lymphopenia, infantile, with or without nail dystrophy, autosomal dominant. Identifiers: Orphanet 676039, MedGen C5394133, MONDO:0032928, OMIM 618806.

Submissions (2):

Labcorp Genetics (formerly Invitae), Labcorp
Classification: Uncertain significance for T-cell immunodeficiency, congenital alopecia, and nail dystrophy. Last evaluated: 2025-07-21. Review status: criteria provided, single submitter. Criteria: Invitae Variant Classification Sherloc (09022015). Collection method: clinical testing. Allele origin: germline.
Comment: This sequence change replaces proline, which is neutral and non-polar, with histidine, which is basic and polar, at codon 578 of the FOXN1 protein (p.Pro578His). This variant is not present in population databases (gnomAD no frequency). This variant has not been reported in the literature in individuals affected with FOXN1-related conditions. ClinVar contains an entry for this variant (Variation ID: 2844503). An algorithm developed to predict the effect of missense changes on protein structure and function (PolyPhen-2) suggests that this variant is likely to be tolerated. In summary, the available evidence is currently insufficient to determine the role of this variant in disease. Therefore, it has been classified as a Variant of Uncertain Significance.

Fulgent Genetics
Classification: Uncertain significance for T-cell immunodeficiency, congenital alopecia, and nail dystrophy; T-cell lymphopenia, infantile, with or without nail dystrophy, autosomal dominant. Last evaluated: 2024-05-17. Review status: criteria provided, single submitter. Criteria: ACMG Guidelines, 2015. Collection method: clinical testing. Allele origin: germline.

NM_001369369.1(FOXN1):c.1733C>A (p.Pro578His)

Gene: FOXN1 (forkhead box N1; plus strand). Cytogenetic location: 17q11.2.
Variant type: single nucleotide variant.
Coding change: c.1733C>A on transcript NM_001369369.1 (MANE Select); coding-DNA position 1733, C replaced by A.
Protein change: p.Pro578His; replaces proline 578 with histidine.
Molecular consequence: missense variant.
Genome position (GRCh38, 1-based): chr17:28,537,222, C>A. VCF-style: chr17-28537222-C-A. GRCh37 (hg19) VCF-style: chr17-26864240-C-A.
Other names: c.1733C>A, p.Pro578His (NM_003593.3); short protein forms P578H.
Identifiers: ClinVar variation 2844503 (VCV002844503.4), dbSNP rs2508442989, ClinGen allele CA398327763.